The following is an entry in ClinVar:

ClinVar aggregate classification (germline): Benign (0 of 4 stars; one submission).

Conditions:
UACA-related disorder. Also called: UACA-related condition.

Allele frequency attached by ClinVar (database versions not stated): gnomAD exomes 0.05193; ExAC 0.06908; gnomAD 0.12282; 1000 Genomes Project 0.13039; TOPMed 0.13590; 1000 Genomes Project 30x 0.13757; ESP Exome Variant Server 0.14447.
gnomAD v4.1: 94,767 of 1,608,644 alleles (5.9%); highest among the groups gnomAD compares: African/African-American, 32%; 5,797 homozygotes.

Submission:

PreventionGenetics, part of Exact Sciences
Classification: Benign for UACA-related condition. Last evaluated: 2019-12-24. Review status: no assertion criteria provided. Collection method: clinical testing. Allele origin: germline.
Comment: This variant is classified as benign based on ACMG/AMP sequence variant interpretation guidelines (Richards et al. 2015 PMID: 25741868, with internal and published modifications).

NM_018003.4(UACA):c.79-6T>C

Gene: UACA (uveal autoantigen with coiled-coil domains and ankyrin repeats; minus strand). Cytogenetic location: 15q23.
Variant type: single nucleotide variant.
Coding change: c.79-6T>C on transcript NM_018003.4 (MANE Select); 6 bases into the intron before coding-DNA position 79, T replaced by C.
Molecular consequence: intron variant.
Genome position (GRCh38, 1-based): chr15:70,699,666, A>G on the plus strand (T>C on the coding strand, the complement: UACA is on the minus strand). VCF-style: chr15-70699666-A-G. GRCh37 (hg19) VCF-style: chr15-70992005-A-G.
Other names: c.40-6T>C (NM_001008224.3).
Identifiers: ClinVar variation 3038281 (VCV003038281.2), dbSNP rs1424400, ClinGen allele CA7637599.